The following is an entry in ClinVar:

NM_000057.4(BLM):c.4117T>A (p.Ser1373Thr)

Gene: BLM (BLM RecQ like helicase; plus strand). Cytogenetic location: 15q26.1.
Variant type: single nucleotide variant.
Coding change: c.4117T>A on transcript NM_000057.4 (MANE Select); coding-DNA position 4117, T replaced by A.
Protein change: p.Ser1373Thr; replaces serine 1373 with threonine.
Molecular consequence: missense variant.
Genome position (GRCh38, 1-based): chr15:90,815,142, T>A. VCF-style: chr15-90815142-T-A. GRCh37 (hg19) VCF-style: chr15-91358372-T-A.
Other names: c.4117T>A, p.Ser1373Thr (NM_001287246.2); c.3724T>A, p.Ser1242Thr (NM_001287247.2); c.2992T>A, p.Ser998Thr (NM_001287248.2); short protein forms S1242T, S1373T, S998T.
Identifiers: ClinVar variation 1737965 (VCV001737965.2), dbSNP rs2505575218, ClinGen allele CA393852183.

ClinVar aggregate classification (germline): Uncertain significance (1 of 4 stars; one submission).

Conditions:
Hereditary cancer-predisposing syndrome. Also called: Neoplastic Syndromes, Hereditary; Tumor predisposition; Hereditary Cancer Syndrome; Hereditary neoplastic syndrome. Identifiers: Orphanet 140162, MedGen C0027672, MeSH D009386, MONDO:0015356.

Submission:

Ambry Genetics
Classification: Uncertain significance for Hereditary cancer-predisposing syndrome. Last evaluated: 2021-02-03. Review status: criteria provided, single submitter. Criteria: Ambry Variant Classification Scheme 2023. Collection method: clinical testing. Allele origin: germline.
Comment: The p.S1373T variant (also known as c.4117T>A), located in coding exon 21 of the BLM gene, results from a T to A substitution at nucleotide position 4117. The serine at codon 1373 is replaced by threonine, an amino acid with similar properties. This amino acid position is not well conserved in available vertebrate species. In addition, this alteration is predicted to be tolerated by in silico analysis. Since supporting evidence is limited at this time, the clinical significance of this alteration remains unclear.